The following is an entry in ClinVar:

ClinVar aggregate classification (germline): Uncertain significance (1 of 4 stars; one submission).

Conditions:
Inborn genetic diseases. Identifiers: MedGen C0950123, MeSH D030342.

gnomAD v4.1: 6 of 1,608,098 alleles (0.00037%); highest among the groups gnomAD compares: Middle Eastern, 0.016%; no homozygotes.

Submission:

Ambry Genetics
Classification: Uncertain significance for Inborn genetic diseases. Last evaluated: 2026-03-23. Review status: criteria provided, single submitter. Criteria: Ambry Variant Classification Scheme 2023. Collection method: clinical testing. Allele origin: germline.
Comment: The c.429C>G (p.D143E) alteration is located in exon 1 (coding exon 1) of the YY1 gene. This alteration results from a C to G substitution at nucleotide position 429, causing the aspartic acid (D) at amino acid position 143 to be replaced by a glutamic acid (E). Based on data from gnomAD, the G allele has an overall frequency of <0.001% (1/236464) total alleles studied. The highest observed frequency was 0.003% (1/30428) of South Asian alleles. Based on insufficient or conflicting evidence, the clinical significance of this alteration remains unclear.

NM_003403.5(YY1):c.429C>G (p.Asp143Glu)

Gene: YY1 (YY1 transcription factor; plus strand). Cytogenetic location: 14q32.2.
Variant type: single nucleotide variant.
Coding change: c.429C>G on transcript NM_003403.5 (MANE Select); coding-DNA position 429, C replaced by G.
Protein change: p.Asp143Glu; replaces aspartic acid 143 with glutamic acid.
Molecular consequence: missense variant.
Genome position (GRCh38, 1-based): chr14:100,239,673, C>G. VCF-style: chr14-100239673-C-G. GRCh37 (hg19) VCF-style: chr14-100706010-C-G.
Other names: short protein forms D143E.
Identifiers: ClinVar variation 4866856 (VCV004866856.1).